The following is an entry in ClinVar:

ClinVar aggregate classification (germline): Uncertain significance (1 of 4 stars; one submission).

Conditions:
RASopathy. Also called: rasopathies; Noonan spectrum disorder. Identifiers: Orphanet 536391, MedGen C5555857, MONDO:0021060.

Submission:

Labcorp Genetics (formerly Invitae), Labcorp
Classification: Uncertain significance for RASopathy. Last evaluated: 2024-08-31. Review status: criteria provided, single submitter. Criteria: Invitae Variant Classification Sherloc (09022015). Collection method: clinical testing. Allele origin: germline.
Comment: This sequence change replaces leucine, which is neutral and non-polar, with histidine, which is basic and polar, at codon 637 of the CBL protein (p.Leu637His). Information on the frequency of this variant in the gnomAD database is not available, as this variant may be reported differently in the database. This variant has not been reported in the literature in individuals affected with CBL-related conditions. An algorithm developed to predict the effect of missense changes on protein structure and function (PolyPhen-2) suggests that this variant is likely to be tolerated. In summary, the available evidence is currently insufficient to determine the role of this variant in disease. Therefore, it has been classified as a Variant of Uncertain Significance.

NM_005188.4(CBL):c.1910_1911delinsAT (p.Leu637His)

Gene: CBL (Cbl proto-oncogene; plus strand). Cytogenetic location: 11q23.3.
Variant type: Indel.
Coding change: c.1910_1911delinsAT on transcript NM_005188.4 (MANE Select); coding-DNA positions 1910 to 1911, TC replaced by AT.
Protein change: p.Leu637His; replaces leucine 637 with histidine.
Molecular consequence: missense variant.
Genome position (GRCh38, 1-based): chr11:119,285,535-119,285,536, TC replaced by AT. VCF-style: chr11-119285535-TC-AT. GRCh37 (hg19) VCF-style: chr11-119156245-TC-AT.
Other names: short protein forms L637H.
Identifiers: ClinVar variation 3692917 (VCV003692917.2).